The following is an entry in ClinVar:

NM_015021.3(ZNF292):c.7845G>A (p.Pro2615=)

Gene: ZNF292 (zinc finger protein 292; plus strand). Cytogenetic location: 6q14.3.
Variant type: single nucleotide variant.
Coding change: c.7845G>A on transcript NM_015021.3 (MANE Select); coding-DNA position 7845, G replaced by A.
Protein change: p.Pro2615=; no amino-acid change (proline 2615 retained).
Molecular consequence: synonymous variant.
Genome position (GRCh38, 1-based): chr6:87,261,474, G>A. VCF-style: chr6-87261474-G-A. GRCh37 (hg19) VCF-style: chr6-87971192-G-A.
Other names: c.7425G>A, p.Pro2475= (NM_001351444.2).
Identifiers: ClinVar variation 3024915 (VCV003024915.22), dbSNP rs777380559, ClinGen allele CA3914870.

ClinVar aggregate classification (germline): Likely benign (1 of 4 stars; one submission).

Allele frequency attached by ClinVar (database versions not stated): gnomAD exomes below 0.00001; TOPMed below 0.00001; ExAC 0.00001.
gnomAD v4.1: 6 of 1,603,714 alleles (0.00037%); highest among the groups gnomAD compares: Admixed American, 0.0017%; no homozygotes.

Submission:

CeGaT Center for Human Genetics Tuebingen
Classification: Likely benign. Last evaluated: 2024-02-01. Review status: criteria provided, single submitter. Criteria: CeGaT Center For Human Genetics Tuebingen Variant Classification Criteria Version 2. Collection method: clinical testing. Allele origin: germline. Affected: yes. Observed: 1 variant allele.
Comment: ZNF292: BP4, BP7